The following is an entry in ClinVar:

NM_020822.3(KCNT1):c.1610C>A (p.Ser537Tyr)

Gene: KCNT1 (potassium sodium-activated channel subfamily T member 1; plus strand). Cytogenetic location: 9q34.3.
Variant type: single nucleotide variant.
Coding change: c.1610C>A on transcript NM_020822.3 (MANE Select); coding-DNA position 1610, C replaced by A.
Protein change: p.Ser537Tyr; replaces serine 537 with tyrosine.
Molecular consequence: missense variant.
Genome position (GRCh38, 1-based): chr9:135,770,046, C>A. VCF-style: chr9-135770046-C-A. GRCh37 (hg19) VCF-style: chr9-138661892-C-A.
Other names: c.1475C>A, p.Ser492Tyr (NM_001272003.2); short protein forms S537Y, S492Y.
Identifiers: ClinVar variation 2948818 (VCV002948818.3), dbSNP rs1832640435, ClinGen allele CA375506038.
Genomic context (GRCh38, chr9:135,770,046, plus strand): 5'-TGGCGCTGAACTGCATCTGCCCGGCGACCTCCACCCTCATCACCCTGCTGGTGCACACGT[C>A]CCGCGGCCAGTGAGTGCCCCGTGCCCCGGGGGACCGACCTCCATGGCGGGGCCGGCGCAG-3'
Protein context (NP_065873.2, residues 527-547): STLITLLVHT[Ser537Tyr]RGQEGQESPE

ClinVar aggregate classification (germline): Uncertain significance (1 of 4 stars; one submission).

Conditions:
Autosomal dominant nocturnal frontal lobe epilepsy 5. Also called: Epilepsy, nocturnal frontal lobe, 5; CILIARY DYSKINESIA, PRIMARY, 28, WITHOUT SITUS INVERSUS; CILIARY DYSKINESIA, PRIMARY, 28, WITH SITUS INVERSUS; KCNT1-Related Epilepsy. Identifiers: Orphanet 98784, MedGen C3554306, MONDO:0014002, OMIM 615005.
Developmental and epileptic encephalopathy, 14 (DEE14). Also called: Early infantile epileptic encephalopathy 14. Identifiers: Orphanet 293181, MedGen C3554195, MONDO:0013989, OMIM 614959.

Allele frequency attached by ClinVar (database versions not stated): TOPMed below 0.00001; gnomAD 0.00001.

Submission:

Labcorp Genetics (formerly Invitae), Labcorp
Classification: Uncertain significance for Autosomal dominant nocturnal frontal lobe epilepsy 5; Developmental and epileptic encephalopathy, 14. Last evaluated: 2023-06-14. Review status: criteria provided, single submitter. Criteria: Invitae Variant Classification Sherloc (09022015). Collection method: clinical testing. Allele origin: germline.
Comment: In summary, the available evidence is currently insufficient to determine the role of this variant in disease. Therefore, it has been classified as a Variant of Uncertain Significance. Advanced modeling of protein sequence and biophysical properties (such as structural, functional, and spatial information, amino acid conservation, physicochemical variation, residue mobility, and thermodynamic stability) has been performed at Invitae for this missense variant, however the output from this modeling did not meet the statistical confidence thresholds required to predict the impact of this variant on KCNT1 protein function. This variant has not been reported in the literature in individuals affected with KCNT1-related conditions. This variant is not present in population databases (gnomAD no frequency). This sequence change replaces serine, which is neutral and polar, with tyrosine, which is neutral and polar, at codon 537 of the KCNT1 protein (p.Ser537Tyr).